The following is an entry in ClinVar:

ClinVar aggregate classification (germline): Uncertain significance (1 of 4 stars; one submission).

gnomAD v4.1: 3 of 1,613,184 alleles (0.00019%); highest among the groups gnomAD compares: African/African-American, 0.004%; no homozygotes.

Submission:

Ambry Genetics
Classification: Uncertain significance. Last evaluated: 2025-03-18. Review status: criteria provided, single submitter. Criteria: Ambry Variant Classification Scheme 2023. Collection method: clinical testing. Allele origin: germline.
Comment: The p.P320R variant (also known as c.959C>G), located in coding exon 7 of the ATRIP gene, results from a C to G substitution at nucleotide position 959. The proline at codon 320 is replaced by arginine, an amino acid with dissimilar properties. This amino acid position is conserved. In addition, this alteration is predicted to be deleterious by in silico analysis. Based on the available evidence, the clinical significance of this variant remains unclear.

NM_130384.3(ATRIP):c.959C>G (p.Pro320Arg)

Genes: ATRIP (ATR interacting protein; plus strand), ATRIP-TREX1 (ATRIP-TREX1 readthrough; plus strand). Cytogenetic location: 3p21.31.
Variant type: single nucleotide variant.
Coding change: c.959C>G on transcript NM_130384.3 (MANE Select); coding-DNA position 959, C replaced by G.
Protein change: p.Pro320Arg; replaces proline 320 with arginine.
Molecular consequence: missense variant. On other transcripts: non-coding transcript variant (1).
Genome position (GRCh38, 1-based): chr3:48,459,820, C>G. VCF-style: chr3-48459820-C-G. GRCh37 (hg19) VCF-style: chr3-48501219-C-G.
Other names: c.578C>G, p.Pro193Arg (NM_001271022.2); c.680C>G, p.Pro227Arg (NM_001271023.2); c.959C>G, p.Pro320Arg (NM_032166.4); short protein forms P193R, P227R, P320R.
Identifiers: ClinVar variation 3975640 (VCV003975640.1).